The following is an entry in ClinVar:

ClinVar aggregate classification (germline): Uncertain significance (1 of 4 stars; one submission).

Allele frequency attached by ClinVar (database versions not stated): gnomAD exomes below 0.00001.
gnomAD v4.1: 1 of 1,606,448 alleles (0.000062%); highest among the groups gnomAD compares: Non-Finnish European, 0.000085%; no homozygotes.

Submission:

Labcorp Genetics (formerly Invitae), Labcorp
Classification: Uncertain significance. Last evaluated: 2022-06-03. Review status: criteria provided, single submitter. Criteria: Invitae Variant Classification Sherloc (09022015). Collection method: clinical testing. Allele origin: germline.
Comment: This sequence change replaces glutamic acid, which is acidic and polar, with glycine, which is neutral and non-polar, at codon 1133 of the SLC12A6 protein (p.Glu1133Gly). This variant is not present in population databases (gnomAD no frequency). This variant has not been reported in the literature in individuals affected with SLC12A6-related conditions. Advanced modeling of protein sequence and biophysical properties (such as structural, functional, and spatial information, amino acid conservation, physicochemical variation, residue mobility, and thermodynamic stability) performed at Invitae indicates that this missense variant is not expected to disrupt SLC12A6 protein function. Algorithms developed to predict the effect of sequence changes on RNA splicing suggest that this variant may disrupt the consensus splice site. In summary, the available evidence is currently insufficient to determine the role of this variant in disease. Therefore, it has been classified as a Variant of Uncertain Significance.

NM_001365088.1(SLC12A6):c.3398A>G (p.Glu1133Gly)

Gene: SLC12A6 (solute carrier family 12 member 6; minus strand). Cytogenetic location: 15q14.
Variant type: single nucleotide variant.
Coding change: c.3398A>G on transcript NM_001365088.1 (MANE Select); coding-DNA position 3398, A replaced by G.
Protein change: p.Glu1133Gly; replaces glutamic acid 1133 with glycine.
Molecular consequence: missense variant.
Genome position (GRCh38, 1-based): chr15:34,233,936, T>C on the plus strand (A>G on the coding strand, the complement: SLC12A6 is on the minus strand). VCF-style: chr15-34233936-T-C. GRCh37 (hg19) VCF-style: chr15-34526137-T-C.
Other names: c.3221A>G, p.Glu1074Gly (NM_001042494.2, NM_001042495.2); c.3371A>G, p.Glu1124Gly (NM_001042496.2); c.3353A>G, p.Glu1118Gly (NM_001042497.2); c.3245A>G, p.Glu1082Gly (NM_005135.2); c.3398A>G, p.Glu1133Gly (NM_133647.2); short protein forms E1074G, E1082G, E1118G, E1124G, E1133G.
Identifiers: ClinVar variation 2169419 (VCV002169419.1), dbSNP rs2509735398, ClinGen allele CA391616908.